The following is an entry in ClinVar:

ClinVar aggregate classification (germline): Uncertain significance (1 of 4 stars; one submission).

Submission:

Labcorp Genetics (formerly Invitae), Labcorp
Classification: Uncertain significance. Last evaluated: 2023-08-04. Review status: criteria provided, single submitter. Criteria: Invitae Variant Classification Sherloc (09022015). Collection method: clinical testing. Allele origin: germline.
Comment: This sequence change replaces asparagine, which is neutral and polar, with lysine, which is basic and polar, at codon 186 of the KCNJ13 protein (p.Asn186Lys). This variant is not present in population databases (gnomAD no frequency). This variant has not been reported in the literature in individuals affected with KCNJ13-related conditions. ClinVar contains an entry for this variant (Variation ID: 942561). Advanced modeling of protein sequence and biophysical properties (such as structural, functional, and spatial information, amino acid conservation, physicochemical variation, residue mobility, and thermodynamic stability) performed at Invitae indicates that this missense variant is not expected to disrupt KCNJ13 protein function. In summary, the available evidence is currently insufficient to determine the role of this variant in disease. Therefore, it has been classified as a Variant of Uncertain Significance.

NM_002242.4(KCNJ13):c.558T>G (p.Asn186Lys)

Genes: KCNJ13 (potassium inwardly rectifying channel subfamily J member 13; minus strand), GIGYF2 (GRB10 interacting GYF protein 2; plus strand). Cytogenetic location: 2q37.1.
Variant type: single nucleotide variant.
Coding change: c.558T>G on transcript NM_002242.4 (MANE Select); coding-DNA position 558, T replaced by G.
Protein change: p.Asn186Lys; replaces asparagine 186 with lysine.
Molecular consequence: missense variant. On other transcripts: 3 prime UTR variant (1), intron variant (4).
Genome position (GRCh38, 1-based): chr2:232,768,716, A>C on the plus strand (T>G on the coding strand, the complement: KCNJ13 is on the minus strand). VCF-style: chr2-232768716-A-C. GRCh37 (hg19) VCF-style: chr2-233633426-A-C.
Other names: c.*37T>G (NM_001172416.1); c.318T>G, p.Asn106Lys (NM_001172417.1); c.532+7280A>C (NM_001103146.3, NM_015575.4, NM_001103147.2 and 1 more transcripts); short protein forms N106K, N186K.
Identifiers: ClinVar variation 942561 (VCV000942561.9), dbSNP rs886043769, ClinGen allele CA351010233.